The following is an entry in ClinVar:

ClinVar aggregate classification (germline): Uncertain significance. Review status: criteria provided, multiple submitters, no conflicts (2 of 4 stars). 3 submissions from 3 submitters: Uncertain significance (2). 1 of the submissions does not count toward it. Last evaluated 2022-03-12.

Conditions:
LAMA2-related muscular dystrophy (LAMA2-RD). Also called: Laminin alpha 2-related dystrophy. Identifiers: MedGen C5679788, MONDO:0100228.
Merosin deficient congenital muscular dystrophy (MDC1A). Also called: Congenital Muscular Dystrophy Type 1A (MDC1A); Congenital merosin-deficient muscular dystrophy 1A. Identifiers: Orphanet 258, MedGen C1263858, MONDO:0011925, OMIM 607855.

Submissions (3):

Labcorp Genetics (formerly Invitae), Labcorp
Classification: Uncertain significance for LAMA2-related muscular dystrophy. Last evaluated: 2022-03-12. Review status: criteria provided, single submitter. Criteria: Invitae Variant Classification Sherloc (09022015). Collection method: clinical testing. Allele origin: germline.
Comment: This variant, c.6201_6203del, results in the deletion of 1 amino acid(s) of the LAMA2 protein (p.Lys2067del), but otherwise preserves the integrity of the reading frame. This variant is present in population databases (rs758495000, gnomAD 0.007%). This variant has not been reported in the literature in individuals affected with LAMA2-related conditions. Experimental studies and prediction algorithms are not available or were not evaluated, and the functional significance of this variant is currently unknown. In summary, the available evidence is currently insufficient to determine the role of this variant in disease. Therefore, it has been classified as a Variant of Uncertain Significance.

Center for Pediatric Genomic Medicine, Children's Mercy Hospital and Clinics
Classification: Uncertain significance. Last evaluated: 2017-01-16. Review status: criteria provided, single submitter. Criteria: ACMG Guidelines, 2015. Collection method: clinical testing. Allele origin: germline.
ClinVar note: Converted during submission from Uncertain Significance to Uncertain significance.

Counsyl
Classification: Uncertain significance for Merosin deficient congenital muscular dystrophy. Last evaluated: 2018-01-19. Review status: no assertion criteria provided. Collection method: clinical testing. Allele origin: unknown. Not counted in ClinVar's aggregate classification.

NM_000426.4(LAMA2):c.6195GAA[2] (p.Lys2067del)

Genes: LAMA2 (laminin subunit alpha 2; plus strand), LOC123864065 (Sharpr-MPRA regulatory region 661; plus strand). Cytogenetic location: 6q22.33.
Variant type: Microsatellite.
Coding change: c.6195GAA[2] on transcript NM_000426.4 (MANE Select); two copies in a row of the 3-base unit GAA starting at c.6195; the reference has three copies in a row; one copy, 3 bases deleted.
Protein change: p.Lys2067del; deletes lysine 2067.
Molecular consequence: inframe deletion.
Genome position (GRCh38, 1-based): chr6:129,440,931-129,440,933, GAA deleted; deleting any 3 consecutive bases within chr6:129,440,925-129,440,933 gives the same sequence; the position shown is the placement nearest the transcript's 3' end. VCF-style (leftmost placement, unchanged base first): chr6-129440924-TGAA-T. GRCh37 (hg19) VCF-style: chr6-129762069-TGAA-T.
Other names: c.6195GAA[2], p.Lys2067del (NM_001079823.2); c.6201_6203delGAA (NM_000426.3); short protein forms K2067del.
Identifiers: ClinVar variation 376977 (VCV000376977.6), dbSNP rs758495000, ClinGen allele CA3994132.